The following is an entry in ClinVar:

ClinVar aggregate classification (germline): Likely benign. Review status: criteria provided, single submitter (1 of 4 stars). 2 submissions from 2 submitters: Likely benign (1). 1 of the submissions does not count toward it. Last evaluated 2024-11-21.

Conditions:
CC2D2A-related disorder. Also called: CC2D2A-related disorders; CC2D2A-related condition. Identifiers: MedGen CN239313.

gnomAD v4.1: 104 of 1,536,448 alleles (0.0068%); highest among the groups gnomAD compares: Middle Eastern, 0.017%; no homozygotes.

Submissions (2):

Blueprint Genetics
Classification: Likely benign. Last evaluated: 2024-11-21. Review status: criteria provided, single submitter. Criteria: ACMG Guidelines, 2015. Collection method: clinical testing. Allele origin: germline.

PreventionGenetics, part of Exact Sciences
Classification: Uncertain significance for CC2D2A-related condition. Last evaluated: 2024-09-11. Review status: no assertion criteria provided. Collection method: clinical testing. Allele origin: germline. Not counted in ClinVar's aggregate classification.
Comment: The CC2D2A c.130A>G variant is predicted to result in the amino acid substitution p.Thr44Ala. To our knowledge, this variant has not been reported in the literature. This variant is reported in 0.023% of alleles in individuals of European (Non-Finnish) descent in gnomAD. At this time, the clinical significance of this variant is uncertain due to the absence of conclusive functional and genetic evidence.

NM_001378615.1(CC2D2A):c.123+423A>G

Genes: CC2D2A (coiled-coil and C2 domain containing 2A; plus strand), FBXL5 (F-box and leucine rich repeat protein 5; minus strand). Cytogenetic location: 4p15.32.
Variant type: single nucleotide variant.
Coding change: c.123+423A>G on transcript NM_001378615.1 (MANE Select); 423 bases into the intron after coding-DNA position 123, A replaced by G.
Molecular consequence: intron variant. On other transcripts: 5 prime UTR variant (1), missense variant (1).
Genome position (GRCh38, 1-based): chr4:15,479,229, A>G. VCF-style: chr4-15479229-A-G. GRCh37 (hg19) VCF-style: chr4-15480853-A-G.
Other names: c.-124A>G (NM_001378617.1); c.130A>G, p.Thr44Ala (NM_020785.2); c.123+423A>G (NM_001080522.2, NM_001164720.3); short protein forms T44A.
Identifiers: ClinVar variation 3352488 (VCV003352488.2).